The following is an entry in ClinVar:

NM_000039.3(APOA1):c.55C>T (p.Arg19Trp)

Genes: APOA1 (apolipoprotein A1; minus strand), APOA1-AS (APOA1 antisense RNA; plus strand). Cytogenetic location: 11q23.3.
Variant type: single nucleotide variant.
Coding change: c.55C>T on transcript NM_000039.3 (MANE Select); coding-DNA position 55, C replaced by T.
Protein change: p.Arg19Trp; replaces arginine 19 with tryptophan.
Molecular consequence: missense variant. On other transcripts: 5 prime UTR variant (1), intron variant (2).
Genome position (GRCh38, 1-based): chr11:116,837,146, G>A on the plus strand (C>T on the coding strand, the complement: APOA1 is on the minus strand). VCF-style: chr11-116837146-G-A. GRCh37 (hg19) VCF-style: chr11-116707862-G-A.
Other names: c.55C>T, p.Arg19Trp (NM_001318017.2, NM_001318018.2, NM_001425090.1 and 1 more transcripts); c.-273C>T (NM_001425092.1); c.-128+199C>T (NM_001425091.1); c.-240-33C>T (NM_001318021.2); short protein forms R19W.
Identifiers: ClinVar variation 1410343 (VCV001410343.6), dbSNP rs371084971, ClinGen allele CA6289907.

ClinVar aggregate classification (germline): Uncertain significance (1 of 4 stars; one submission).

Allele frequency attached by ClinVar (database versions not stated): gnomAD exomes 0.00002; ExAC 0.00003; ESP Exome Variant Server 0.00008.
gnomAD v4.1: 50 of 1,612,474 alleles (0.0031%); highest among the groups gnomAD compares: Non-Finnish European, 0.0038%; no homozygotes.

Submission:

Labcorp Genetics (formerly Invitae), Labcorp
Classification: Uncertain significance. Last evaluated: 2026-01-07. Review status: criteria provided, single submitter. Criteria: Invitae Variant Classification Sherloc (09022015). Collection method: clinical testing. Allele origin: germline.
Comment: This sequence change replaces arginine, which is basic and polar, with tryptophan, which is neutral and slightly polar, at codon 19 of the APOA1 protein (p.Arg19Trp). This variant is present in population databases (rs371084971, gnomAD 0.006%). This variant has not been reported in the literature in individuals affected with APOA1-related conditions. ClinVar contains an entry for this variant (Variation ID: 1410343). An algorithm developed to predict the effect of missense changes on protein structure and function outputs the following: PolyPhen-2: "Benign". The tryptophan amino acid residue is found in multiple mammalian species, which suggests that this missense change does not adversely affect protein function. In summary, the available evidence is currently insufficient to determine the role of this variant in disease. Therefore, it has been classified as a Variant of Uncertain Significance.